The following is an entry in ClinVar:

NM_003235.5(TG):c.3152G>A (p.Cys1051Tyr)

Gene: TG (thyroglobulin; plus strand). Cytogenetic location: 8q24.22.
Variant type: single nucleotide variant.
Coding change: c.3152G>A on transcript NM_003235.5 (MANE Select); coding-DNA position 3152, G replaced by A.
Protein change: p.Cys1051Tyr; replaces cysteine 1051 with tyrosine.
Molecular consequence: missense variant.
Genome position (GRCh38, 1-based): chr8:132,898,181, G>A. VCF-style: chr8-132898181-G-A. GRCh37 (hg19) VCF-style: chr8-133910426-G-A.
Other names: short protein forms C1051Y.
Identifiers: ClinVar variation 4687365 (VCV004687365.1).

ClinVar aggregate classification (germline): Uncertain significance (1 of 4 stars; one submission).

gnomAD v4.1: 5 of 1,603,768 alleles (0.00031%); highest among the groups gnomAD compares: East Asian, 0.0089%; no homozygotes.

Submission:

Women's Health and Genetics/Laboratory Corporation of America, LabCorp
Classification: Uncertain significance. Last evaluated: 2025-10-10. Review status: criteria provided, single submitter. Criteria: LabCorp Variant Classification Summary - May 2015. Collection method: clinical testing. Allele origin: germline.
Comment: Variant summary: TG c.3152G>A (p.Cys1051Tyr) results in a non-conservative amino acid change in the encoded protein sequence. Algorithms developed to predict the effect of missense changes on protein structure and function all suggest that this variant is likely to be disruptive. The variant allele was found at a frequency of 1.3e-05 in 236758 control chromosomes. The available data on variant occurrences in the general population are insufficient to allow any conclusion about variant significance. c.3152G>A has been observed in at least one compound heterozygous individual affected with permanent congenital hypothyroidism, who carries a pathogenic TG variant in trans (example: Zhang_2023). These data do not allow any conclusion about variant significance. To our knowledge, no experimental evidence demonstrating an impact on protein function has been reported. The following publication has been ascertained in the context of this evaluation (PMID: 37390946). No submitters have cited clinical-significance assessments for this variant to ClinVar. Based on the evidence outlined above, the variant was classified as uncertain significance.

Literature cited by the submitters: PubMed 37390946.